The following is an entry in ClinVar:

NM_024334.3(TMEM43):c.251A>G (p.Asn84Ser)

Gene: TMEM43 (transmembrane protein 43; plus strand). Cytogenetic location: 3p25.1.
Variant type: single nucleotide variant.
Coding change: c.251A>G on transcript NM_024334.3 (MANE Select); coding-DNA position 251, A replaced by G.
Protein change: p.Asn84Ser; replaces asparagine 84 with serine.
Molecular consequence: missense variant.
Genome position (GRCh38, 1-based): chr3:14,130,910, A>G. VCF-style: chr3-14130910-A-G. GRCh37 (hg19) VCF-style: chr3-14172410-A-G.
Other names: short protein forms N84S.
Identifiers: ClinVar variation 1172396 (VCV001172396.15), dbSNP rs773605236, ClinGen allele CA052373.
Genomic context (GRCh38, chr3:14,130,910, plus strand): 5'-TGGCTGAGGGGCTCTCGCTTGTGGTGTCTCCCGACAGCATCCACAGTGTGGCTCCGGAGA[A>G]TGAAGGAAGGCTGGTGCACATCATTGGCGCCTTACGGACATCCAAGGTAGGTTTGGCAGG-3'
Protein context (NP_077310.1, residues 74-94): PDSIHSVAPE[Asn84Ser]EGRLVHIIGA

ClinVar aggregate classification (germline): Uncertain significance. Review status: criteria provided, multiple submitters, no conflicts (2 of 4 stars). 5 submissions from 5 submitters: Uncertain significance (5). Last evaluated 2026-07-17.

Conditions:
Cardiomyopathy (CMYO). Also called: Cardiomyopathies. Identifiers: Orphanet 167848, MedGen C0878544, MONDO:0004994, HP:0001638. Inheritance: Various modes of inheritance.
Arrhythmogenic right ventricular dysplasia 5. Also called: Arrhythmogenic Right Ventricular Dysplasia/Cardiomyopathy 5; ARRHYTHMOGENIC RIGHT VENTRICULAR DYSPLASIA, FAMILIAL, 5. Identifiers: MedGen C1858379, MONDO:0011459, OMIM 604400.
Cardiovascular phenotype. Identifiers: MedGen CN230736.

Allele frequency attached by ClinVar (database versions not stated): gnomAD exomes 0.00001; ExAC 0.00001.
gnomAD v4.1: 3 of 1,613,514 alleles (0.00019%); highest among the groups gnomAD compares: Non-Finnish European, 0.00025%; no homozygotes.

Submissions (5):

Ambry Genetics
Classification: Uncertain significance for Cardiovascular phenotype. Last evaluated: 2026-07-17. Review status: criteria provided, single submitter. Criteria: Ambry Variant Classification Scheme 2023. Collection method: clinical testing. Allele origin: germline.
Comment: The p.N84S variant (also known as c.251A>G), located in coding exon 3 of the TMEM43 gene, results from an A to G substitution at nucleotide position 251. The asparagine at codon 84 is replaced by serine, an amino acid with highly similar properties. This amino acid position is conserved. In addition, this alteration is predicted to be tolerated by in silico analysis. Based on the available evidence, the clinical significance of this variant remains unclear.

Blueprint Genetics
Classification: Uncertain significance. Last evaluated: 2024-09-20. Review status: criteria provided, single submitter. Criteria: ACMG Guidelines, 2015. Collection method: clinical testing. Allele origin: germline.

Color Diagnostics, LLC DBA Color Health
Classification: Uncertain significance for Cardiomyopathy. Last evaluated: 2024-03-06. Review status: criteria provided, single submitter. Criteria: ACMG Guidelines, 2015. Collection method: clinical testing. Allele origin: germline.
Comment: This missense variant replaces asparagine with serine at codon 84 of the TMEM43 protein. Computational prediction suggests that this variant may not impact protein structure and function (internally defined REVEL score threshold <= 0.5, PMID: 27666373). To our knowledge, functional studies have not been reported for this variant. This variant has not been reported in individuals affected with TMEM43-related disorders in the literature. This variant has been identified in 2/250790 chromosomes in the general population by the Genome Aggregation Database (gnomAD). The available evidence is insufficient to determine the role of this variant in disease conclusively. Therefore, this variant is classified as a Variant of Uncertain Significance.

All of Us Research Program, National Institutes of Health
Classification: Uncertain significance for Arrhythmogenic right ventricular dysplasia 5. Last evaluated: 2023-12-18. Review status: criteria provided, single submitter. Criteria: ACMG Guidelines, 2015. Collection method: clinical testing. Allele origin: germline. Inheritance: Autosomal dominant inheritance. Observed: 1 variant allele, 1 heterozygote.
Comment: This missense variant replaces asparagine with serine at codon 84 of the TMEM43 protein. Computational prediction suggests that this variant may not impact protein structure and function (internally defined REVEL score threshold <= 0.5, PMID: 27666373). To our knowledge, functional studies have not been reported for this variant. This variant has not been reported in individuals affected with cardiovascular disorders in the literature. This variant has been identified in 2/250790 chromosomes in the general population by the Genome Aggregation Database (gnomAD). The available evidence is insufficient to determine the role of this variant in disease conclusively. Therefore, this variant is classified as a Variant of Uncertain Significance.

This study involves interpretation of variants in research participants for the purpose of population health screening. Participant phenotype was not available at the time of variant classification. Additional details can be found in publication PMID: 35346344, PMCID: PMC8962531

Labcorp Genetics (formerly Invitae), Labcorp
Classification: Uncertain significance for Arrhythmogenic right ventricular dysplasia 5. Last evaluated: 2023-03-07. Review status: criteria provided, single submitter. Criteria: Invitae Variant Classification Sherloc (09022015). Collection method: clinical testing. Allele origin: germline.
Comment: In summary, the available evidence is currently insufficient to determine the role of this variant in disease. Therefore, it has been classified as a Variant of Uncertain Significance. Advanced modeling of protein sequence and biophysical properties (such as structural, functional, and spatial information, amino acid conservation, physicochemical variation, residue mobility, and thermodynamic stability) performed at Invitae indicates that this missense variant is expected to disrupt TMEM43 protein function. ClinVar contains an entry for this variant (Variation ID: 1172396). This variant has not been reported in the literature in individuals affected with TMEM43-related conditions. This variant is present in population databases (rs773605236, gnomAD 0.002%). This sequence change replaces asparagine, which is neutral and polar, with serine, which is neutral and polar, at codon 84 of the TMEM43 protein (p.Asn84Ser).